The following is an entry in ClinVar:

ClinVar aggregate classification (germline): Benign (1 of 4 stars; one submission).

Conditions:
Erythrocytosis, familial, 3 (ECYT3). Identifiers: Orphanet 247511, MedGen C1853286, MONDO:0012353, OMIM 609820.

Allele frequency attached by ClinVar (database versions not stated): 1000 Genomes Project 0.00040; 1000 Genomes Project 30x 0.00062; gnomAD 0.00080; TOPMed 0.00085.

Submission:

Illumina Laboratory Services, Illumina
Classification: Benign for Erythrocytosis, familial, 3. Last evaluated: 2018-01-13. Review status: criteria provided, single submitter. Criteria: ICSL Variant Classification Criteria 13 December 2019. Collection method: clinical testing. Allele origin: germline.
Comment: This variant was observed in the ICSL laboratory as part of a predisposition screen in an ostensibly healthy population. It had not been previously curated by ICSL or reported in the Human Gene Mutation Database (HGMD: prior to June 1st, 2018), and was therefore a candidate for classification through an automated scoring system. Utilizing variant allele frequency, disease prevalence and penetrance estimates, and inheritance mode, an automated score was calculated to assess if this variant is too frequent to cause the disease. Based on the score and internal cut-off values, a variant classified as benign is not then subjected to further curation. The score for this variant resulted in a classification of benign for this disease.

NM_022051.3(EGLN1):c.*1199A>G

Gene: EGLN1 (egl-9 family hypoxia inducible factor 1; minus strand). Cytogenetic location: 1q42.2.
Variant type: single nucleotide variant.
Coding change: c.*1199A>G on transcript NM_022051.3 (MANE Select); 1199 bases downstream of the stop codon, A replaced by G.
Molecular consequence: 3 prime UTR variant.
Genome position (GRCh38, 1-based): chr1:231,365,212, T>C on the plus strand (A>G on the coding strand, the complement: EGLN1 is on the minus strand). VCF-style: chr1-231365212-T-C. GRCh37 (hg19) VCF-style: chr1-231500958-T-C.
Other names: c.*1260A>G (NM_001377260.1); c.*1305A>G (NM_001377261.1).
Identifiers: ClinVar variation 296163 (VCV000296163.5), dbSNP rs185930120, ClinGen allele CA10610279.
Genomic context (GRCh38, chr1:231,365,212, plus strand): 5'-TGTACATAATCTCCCCTTGATGCTCTTCAACAGAGACAAGGTTCTTGTCTGCAGATCAGA[T>C]AGATCACAGTATTAGGAAAAAAACATAACAGCAAATTTGGAAGTACAATCAATTTAAGGA-3'